The following is an entry in ClinVar:

NM_001378454.1(ALMS1):c.8017G>C (p.Asp2673His)

Gene: ALMS1 (ALMS1 centrosome and basal body associated protein; plus strand). Cytogenetic location: 2p13.1.
Variant type: single nucleotide variant.
Coding change: c.8017G>C on transcript NM_001378454.1 (MANE Select); coding-DNA position 8017, G replaced by C.
Protein change: p.Asp2673His; replaces aspartic acid 2673 with histidine.
Molecular consequence: missense variant.
Genome position (GRCh38, 1-based): chr2:73,489,976, G>C. VCF-style: chr2-73489976-G-C. GRCh37 (hg19) VCF-style: chr2-73717103-G-C.
Other names: c.8020G>C, p.Asp2674His (NM_015120.4); short protein forms D2674H, D2673H.
Identifiers: ClinVar variation 383775 (VCV000383775.23), dbSNP rs2017116, ClinGen allele CA1714389.

ClinVar aggregate classification (germline): Benign. Review status: criteria provided, multiple submitters, no conflicts (2 of 4 stars). 8 submissions from 8 submitters: Benign (7). 1 of the submissions does not count toward it. Last evaluated 2026-02-04.

Conditions:
Cardiovascular phenotype. Identifiers: MedGen CN230736.
Alstrom syndrome (ALMS). Identifiers: Orphanet 64, MedGen C0268425, MONDO:0008763, OMIM 203800.

Allele frequency attached by ClinVar (database versions not stated): TOPMed 0.12738; ESP Exome Variant Server 0.12893; gnomAD 0.13007 and 0.13250; 1000 Genomes Project 30x 0.13210; 1000 Genomes Project 0.13598.
gnomAD v4.1: 225,898 of 1,614,018 alleles (14%); highest among the groups gnomAD compares: East Asian, 24%; 16,532 homozygotes.

Submissions (8):

Labcorp Genetics (formerly Invitae), Labcorp
Classification: Benign for Alstrom syndrome. Last evaluated: 2026-02-04. Review status: criteria provided, single submitter. Criteria: Invitae Variant Classification Sherloc (09022015). Collection method: clinical testing. Allele origin: germline.

Blueprint Genetics
Classification: Benign. Last evaluated: 2024-11-26. Review status: criteria provided, single submitter. Criteria: ACMG Guidelines, 2015. Collection method: clinical testing. Allele origin: germline.

Genome-Nilou Lab
Classification: Benign for Alstrom syndrome. Last evaluated: 2021-07-14. Review status: criteria provided, single submitter. Criteria: ACMG Guidelines, 2015. Collection method: clinical testing. Allele origin: germline. Affected: no.

Ambry Genetics
Classification: Benign for Cardiovascular phenotype. Last evaluated: 2018-12-21. Review status: criteria provided, single submitter. Criteria: Ambry Variant Classification Scheme 2023. Collection method: clinical testing. Allele origin: germline.

GeneDx
Classification: Benign. Last evaluated: 2016-09-23. Review status: criteria provided, single submitter. Criteria: GeneDx Variant Classification (06012015). Collection method: clinical testing. Allele origin: germline. Affected: yes.
Comment: This variant is considered likely benign or benign based on one or more of the following criteria: it is a conservative change, it occurs at a poorly conserved position in the protein, it is predicted to be benign by multiple in silico algorithms, and/or has population frequency not consistent with disease.

Laboratory for Molecular Medicine, Mass General Brigham Personalized Medicine
Classification: Benign. Last evaluated: 2016-03-21. Review status: criteria provided, single submitter. Criteria: LMM Criteria. Collection method: clinical testing. Allele origin: germline. Observed: 63 variant alleles.
Comment: p.Asp2672His in exon 10 of ALMS1: This variant is not expected to have clinical significance because it has been identified in 21.84% (1884/8626) of East Asian chromosomes by the Exome Aggregation Consortium (ExAC; dbSNP rs2017116).

Breakthrough Genomics
Classification: Benign. Review status: criteria provided, single submitter. Criteria: ACMG Guidelines, 2015. Collection method: not provided. Allele origin: germline. Inheritance: Autosomal recessive inheritance. Affected: yes.

Natera, Inc.
Classification: Benign for Alstrom syndrome. Last evaluated: 2020-09-16. Review status: no assertion criteria provided. Collection method: clinical testing. Allele origin: germline. Not counted in ClinVar's aggregate classification.